The following is an entry in ClinVar:

ClinVar aggregate classification (germline): Uncertain significance. Review status: criteria provided, multiple submitters, no conflicts (2 of 4 stars). 2 submissions from 2 submitters: Uncertain significance (2). Last evaluated 2025-09-02.

Conditions:
Inborn genetic diseases. Identifiers: MedGen C0950123, MeSH D030342.

Allele frequency attached by ClinVar (database versions not stated): ExAC 0.00001; gnomAD 0.00001; 1000 Genomes Project 30x 0.00016; 1000 Genomes Project 0.00020.

Submissions (2):

Labcorp Genetics (formerly Invitae), Labcorp
Classification: Uncertain significance. Last evaluated: 2025-09-02. Review status: criteria provided, single submitter. Criteria: Invitae Variant Classification Sherloc (09022015). Collection method: clinical testing. Allele origin: germline.
Comment: This sequence change replaces proline, which is neutral and non-polar, with leucine, which is neutral and non-polar, at codon 508 of the VPS13A protein (p.Pro508Leu). The frequency data for this variant in the population databases is considered unreliable, as metrics indicate poor data quality at this position in the gnomAD database. This variant has not been reported in the literature in individuals affected with VPS13A-related conditions. ClinVar contains an entry for this variant (Variation ID: 2085936). Invitae Evidence Modeling of protein sequence and biophysical properties (such as structural, functional, and spatial information, amino acid conservation, physicochemical variation, residue mobility, and thermodynamic stability) has been performed for this missense variant. However, the output from this modeling did not meet the statistical confidence thresholds required to predict the impact of this variant on VPS13A protein function. In summary, the available evidence is currently insufficient to determine the role of this variant in disease. Therefore, it has been classified as a Variant of Uncertain Significance.

Ambry Genetics
Classification: Uncertain significance for Inborn genetic diseases. Last evaluated: 2024-07-02. Review status: criteria provided, single submitter. Criteria: Ambry Variant Classification Scheme 2023. Collection method: clinical testing. Allele origin: germline.

NM_033305.3(VPS13A):c.1523C>T (p.Pro508Leu)

Gene: VPS13A (vacuolar protein sorting 13 homolog A; plus strand). Cytogenetic location: 9q21.2.
Variant type: single nucleotide variant.
Coding change: c.1523C>T on transcript NM_033305.3 (MANE Select); coding-DNA position 1523, C replaced by T.
Protein change: p.Pro508Leu; replaces proline 508 with leucine.
Molecular consequence: missense variant.
Genome position (GRCh38, 1-based): chr9:77,228,192, C>T. VCF-style: chr9-77228192-C-T. GRCh37 (hg19) VCF-style: chr9-79843108-C-T.
Other names: c.1523C>T (NM_033305.2); c.1523C>T, p.Pro508Leu (NM_001018037.2, NM_001018038.3, NM_015186.4); short protein forms P508L.
Identifiers: ClinVar variation 2085936 (VCV002085936.5), dbSNP rs201962048, ClinGen allele CA5091709.